The following is an entry in ClinVar:

NM_004423.4(DVL3):c.466A>G (p.Thr156Ala)

Gene: DVL3 (dishevelled segment polarity protein 3; plus strand). Cytogenetic location: 3q27.1.
Variant type: single nucleotide variant.
Coding change: c.466A>G on transcript NM_004423.4 (MANE Select); coding-DNA position 466, A replaced by G.
Protein change: p.Thr156Ala; replaces threonine 156 with alanine.
Molecular consequence: missense variant.
Genome position (GRCh38, 1-based): chr3:184,164,798, A>G. VCF-style: chr3-184164798-A-G. GRCh37 (hg19) VCF-style: chr3-183882586-A-G.
Other names: short protein forms T156A.
Identifiers: ClinVar variation 4775831 (VCV004775831.2).

ClinVar aggregate classification (germline): Conflicting classifications of pathogenicity. Review status: criteria provided, conflicting classifications (1 of 4 stars). 2 submissions from 2 submitters: Uncertain significance (1); Likely benign (1). Last evaluated 2026-04-07.

Conditions:
Autosomal dominant Robinow syndrome 3. Identifiers: Orphanet 3107, Orphanet 97360, MedGen C4225164, MONDO:0014819, OMIM 616894.

gnomAD v4.1: 19 of 1,614,068 alleles (0.0012%); highest among the groups gnomAD compares: Non-Finnish European, 0.0014%; no homozygotes.

Submissions (2):

Centre for Medical Genetics,  Mumbai
Classification: Likely benign for Autosomal dominant Robinow syndrome 3. Last evaluated: 2026-04-07. Review status: criteria provided, single submitter. Criteria: ACMG Guidelines, 2015. Collection method: provider interpretation. Allele origin: germline. Inheritance: Autosomal dominant inheritance. Affected: no. Observed: 1 variant allele, 1 heterozygote.
Comment: The variant satisfies PM2 criteria - extremely low frequency in gnomAD population databases. However, the variant satisfies BS2 criteria - present in heterozygous state in an individual that clinically does not have robinow syndrome.

Labcorp Genetics (formerly Invitae), Labcorp
Classification: Uncertain significance. Last evaluated: 2025-09-28. Review status: criteria provided, single submitter. Criteria: Invitae Variant Classification Sherloc (09022015). Collection method: clinical testing. Allele origin: germline.
Comment: This sequence change replaces threonine, which is neutral and polar, with alanine, which is neutral and non-polar, at codon 156 of the DVL3 protein (p.Thr156Ala). This variant is not present in population databases (gnomAD no frequency). This variant has not been reported in the literature in individuals affected with DVL3-related conditions. An algorithm developed to predict the effect of missense changes on protein structure and function outputs the following: PolyPhen-2: "Benign". The alanine amino acid residue is found in multiple mammalian species, which suggests that this missense change does not adversely affect protein function. Algorithms developed to predict the effect of sequence changes on RNA splicing suggest that this variant may create or strengthen a splice site. In summary, the available evidence is currently insufficient to determine the role of this variant in disease. Therefore, it has been classified as a Variant of Uncertain Significance.

Literature cited by the submitters: PubMed 26924530 (cited by Centre for Medical Genetics,  Mumbai).